The following is an entry in ClinVar:

ClinVar aggregate classification (germline): Uncertain significance (1 of 4 stars; one submission).

gnomAD v4.1: 3 of 1,614,074 alleles (0.00019%); highest among the groups gnomAD compares: Non-Finnish European, 0.00025%; no homozygotes.

Submission:

Dasa
Classification: Uncertain significance. Last evaluated: 2026-03-24. Review status: criteria provided, single submitter. Criteria: DASA Assertion Criteria. Collection method: clinical testing. Allele origin: germline.
Comment: NM_014233.4(UBTF):c.653G>A (p.Arg218Gln) is a missense variant that results in the substitution of arginine with glutamine. This variant is rare in population databases. The currently available literature and clinical evidence are not sufficient to establish a definitive association between this variant and the reported condition. Therefore, this variant is classified as a variant of uncertain significance.

NM_014233.4(UBTF):c.653G>A (p.Arg218Gln)

Genes: UBTF (upstream binding transcription factor; minus strand), ATXN7L3-AS1 (ATXN7L3 antisense RNA 1; plus strand). Cytogenetic location: 17q21.31.
Variant type: single nucleotide variant.
Coding change: c.653G>A on transcript NM_014233.4 (MANE Select); coding-DNA position 653, G replaced by A.
Protein change: p.Arg218Gln; replaces arginine 218 with glutamine.
Molecular consequence: missense variant. On other transcripts: non-coding transcript variant (1).
Genome position (GRCh38, 1-based): chr17:44,212,826, C>T on the plus strand (G>A on the coding strand, the complement: UBTF is on the minus strand). VCF-style: chr17-44212826-C-T. GRCh37 (hg19) VCF-style: chr17-42290194-C-T.
Other names: c.653G>A, p.Arg218Gln (NM_001076683.2, NM_001076684.3); short protein forms R218Q.
Identifiers: ClinVar variation 4883448 (VCV004883448.2).